The following is an entry in ClinVar:

ClinVar aggregate classification (germline): Likely benign. Review status: criteria provided, multiple submitters, no conflicts (2 of 4 stars). 2 submissions from 2 submitters: Likely benign (2). Last evaluated 2026-01-14.

Allele frequency attached by ClinVar (database versions not stated): ESP Exome Variant Server 0.00015; gnomAD 0.00018 and 0.00019; TOPMed 0.00018; ExAC 0.00020.
gnomAD v4.1: 222 of 1,598,766 alleles (0.014%); highest among the groups gnomAD compares: Non-Finnish European, 0.017%; 1 homozygote.

Submissions (2):

Labcorp Genetics (formerly Invitae), Labcorp
Classification: Likely benign. Last evaluated: 2026-01-14. Review status: criteria provided, single submitter. Criteria: Invitae Variant Classification Sherloc (09022015). Collection method: clinical testing. Allele origin: germline.

CeGaT Center for Human Genetics Tuebingen
Classification: Likely benign. Last evaluated: 2022-03-01. Review status: criteria provided, single submitter. Criteria: CeGaT Center For Human Genetics Tuebingen Variant Classification Criteria Version 2. Collection method: clinical testing. Allele origin: germline. Affected: yes. Observed: 1 variant allele.
Comment: CELSR2: BP4, BP7

NM_001408.3(CELSR2):c.5040A>C (p.Thr1680=)

Gene: CELSR2 (cadherin EGF LAG seven-pass G-type receptor 2; plus strand). Cytogenetic location: 1p13.3.
Variant type: single nucleotide variant.
Coding change: c.5040A>C on transcript NM_001408.3 (MANE Select); coding-DNA position 5040, A replaced by C.
Protein change: p.Thr1680=; no amino-acid change (threonine 1680 retained).
Molecular consequence: synonymous variant.
Genome position (GRCh38, 1-based): chr1:109,264,116, A>C. VCF-style: chr1-109264116-A-C. GRCh37 (hg19) VCF-style: chr1-109806738-A-C.
Identifiers: ClinVar variation 1563584 (VCV001563584.31), dbSNP rs377023561, ClinGen allele CA987422.
Genomic context (GRCh38, chr1:109,264,116, plus strand): 5'-TTTTCTTTCCTCCTGGTGTCAGCTACGAGAGGGCCACGTGATGCTGAGCGTGGAGGGCAC[A>C]GGGCTTCAGGCCTCCTCTCTCCGTCTGGAGCCAGGCCGGGCCAATGACGGTGACTGGCAC-3'
Protein context (NP_001399.1, residues 1670-1690): EGHVMLSVEG[Thr1680=]GLQASSLRLE